The following is an entry in ClinVar:

NM_001371279.1(REEP1):c.381C>T (p.Asn127=)

Gene: REEP1 (receptor accessory protein 1; minus strand). Cytogenetic location: 2p11.2.
Variant type: single nucleotide variant.
Coding change: c.381C>T on transcript NM_001371279.1 (MANE Select); coding-DNA position 381, C replaced by T.
Protein change: p.Asn127=; no amino-acid change (asparagine 127 retained).
Molecular consequence: synonymous variant. On other transcripts: intron variant (1).
Genome position (GRCh38, 1-based): chr2:86,251,993, G>A on the plus strand (C>T on the coding strand, the complement: REEP1 is on the minus strand). VCF-style: chr2-86251993-G-A. GRCh37 (hg19) VCF-style: chr2-86479116-G-A.
Other names: c.402C>T, p.Asn134= (NM_001164730.2); c.300C>T, p.Asn100= (NM_001164731.2); c.381C>T, p.Asn127= (NM_001371280.1, NM_022912.3); c.182+11972C>T (NM_001164732.2).
Identifiers: ClinVar variation 379204 (VCV000379204.14), dbSNP rs36008495, ClinGen allele CA1748763.

ClinVar aggregate classification (germline): Benign/Likely benign. Review status: criteria provided, multiple submitters, no conflicts (2 of 4 stars). 3 submissions from 3 submitters: Benign (2); Likely benign (1). Last evaluated 2026-01-11.

Conditions:
Inborn genetic diseases. Identifiers: MedGen C0950123, MeSH D030342.
Hereditary spastic paraplegia 31. Also called: SPASTIC PARAPLEGIA 31, AUTOSOMAL DOMINANT. Identifiers: Orphanet 101011, MedGen C1853247, MONDO:0012453, OMIM 610250.

Allele frequency attached by ClinVar (database versions not stated): gnomAD exomes 0.00102; ExAC 0.00137; gnomAD 0.00397 and 0.00419; TOPMed 0.00434; ESP Exome Variant Server 0.00454; 1000 Genomes Project 0.00559; 1000 Genomes Project 30x 0.00609.
gnomAD v4.1: 1,218 of 1,613,938 alleles (0.075%); highest among the groups gnomAD compares: African/African-American, 1.4%; 9 homozygotes.

Submissions (3):

Labcorp Genetics (formerly Invitae), Labcorp
Classification: Benign for Hereditary spastic paraplegia 31. Last evaluated: 2026-01-11. Review status: criteria provided, single submitter. Criteria: Invitae Variant Classification Sherloc (09022015). Collection method: clinical testing. Allele origin: germline.

Ambry Genetics
Classification: Likely benign for Inborn genetic diseases. Last evaluated: 2019-07-11. Review status: criteria provided, single submitter. Criteria: Ambry Variant Classification Scheme 2023. Collection method: clinical testing. Allele origin: germline.

GeneDx
Classification: Benign. Last evaluated: 2015-10-22. Review status: criteria provided, single submitter. Criteria: GeneDx Variant Classification (06012015). Collection method: clinical testing. Allele origin: germline. Affected: yes.
Comment: This variant is considered likely benign or benign based on one or more of the following criteria: it is a conservative change, it occurs at a poorly conserved position in the protein, it is predicted to be benign by multiple in silico algorithms, and/or has population frequency not consistent with disease.